The following is an entry in ClinVar:

ClinVar aggregate classification (germline): Uncertain significance (1 of 4 stars; one submission).

Submission:

Labcorp Genetics (formerly Invitae), Labcorp
Classification: Uncertain significance. Last evaluated: 2023-02-13. Review status: criteria provided, single submitter. Criteria: Invitae Variant Classification Sherloc (09022015). Collection method: clinical testing. Allele origin: germline.
Comment: This sequence change replaces serine, which is neutral and polar, with phenylalanine, which is neutral and non-polar, at codon 228 of the MCM4 protein (p.Ser228Phe). This variant is present in population databases (rs764079802, gnomAD 0.04%). This variant has not been reported in the literature in individuals affected with MCM4-related conditions. Advanced modeling of protein sequence and biophysical properties (such as structural, functional, and spatial information, amino acid conservation, physicochemical variation, residue mobility, and thermodynamic stability) performed at Invitae indicates that this missense variant is not expected to disrupt MCM4 protein function. In summary, the available evidence is currently insufficient to determine the role of this variant in disease. Therefore, it has been classified as a Variant of Uncertain Significance.

NM_182746.3(MCM4):c.683C>T (p.Ser228Phe)

Gene: MCM4 (minichromosome maintenance complex component 4; plus strand). Cytogenetic location: 8q11.21.
Variant type: single nucleotide variant.
Coding change: c.683C>T on transcript NM_182746.3 (MANE Select); coding-DNA position 683, C replaced by T.
Protein change: p.Ser228Phe; replaces serine 228 with phenylalanine.
Molecular consequence: missense variant.
Genome position (GRCh38, 1-based): chr8:47,963,030, C>T. VCF-style: chr8-47963030-C-T. GRCh37 (hg19) VCF-style: chr8-48875590-C-T.
Other names: c.683C>T, p.Ser228Phe (NM_005914.4); short protein forms S228F.
Identifiers: ClinVar variation 2785383 (VCV002785383.3), dbSNP rs764079802, ClinGen allele CA4742380.